The following is an entry in ClinVar:

ClinVar aggregate classification (germline): Likely benign. Review status: criteria provided, multiple submitters, no conflicts (2 of 4 stars). 2 submissions from 2 submitters: Likely benign (2). Last evaluated 2026-04-29.

Conditions:
SERPING1-related disorder. Also called: SERPING1-related condition.

Allele frequency attached by ClinVar (database versions not stated): ESP Exome Variant Server 0.00008; gnomAD exomes 0.00010 and 0.00018; gnomAD 0.00011; TOPMed 0.00013; ExAC 0.00014.

Submissions (2):

PreventionGenetics, part of Exact Sciences
Classification: Likely benign for SERPING1-related condition. Last evaluated: 2026-04-29. Review status: criteria provided, single submitter. Criteria: ACMG Guidelines, 2015. Collection method: clinical testing. Allele origin: germline.
Comment: This variant is classified as likely benign based on ACMG/AMP sequence variant interpretation guidelines (Richards et al. 2015 PMID: 25741868, with internal and published modifications).

Labcorp Genetics (formerly Invitae), Labcorp
Classification: Likely benign. Last evaluated: 2026-01-26. Review status: criteria provided, single submitter. Criteria: Invitae Variant Classification Sherloc (09022015). Collection method: clinical testing. Allele origin: germline.

NM_000062.3(SERPING1):c.968C>T (p.Pro323Leu)

Gene: SERPING1 (serpin family G member 1; plus strand). Cytogenetic location: 11q12.1.
Variant type: single nucleotide variant.
Coding change: c.968C>T on transcript NM_000062.3 (MANE Select); coding-DNA position 968, C replaced by T.
Protein change: p.Pro323Leu; replaces proline 323 with leucine.
Molecular consequence: missense variant.
Genome position (GRCh38, 1-based): chr11:57,606,486, C>T. VCF-style: chr11-57606486-C-T. GRCh37 (hg19) VCF-style: chr11-57373959-C-T.
Other names: c.968C>T, p.Pro323Leu (NM_001032295.2); short protein forms P323L.
Identifiers: ClinVar variation 695822 (VCV000695822.10), dbSNP rs61761890, ClinGen allele CA6008171.
Genomic context (GRCh38, chr11:57,606,486, plus strand): 5'-TTGATCCCAAGAAAACCAGAATGGAACCCTTTCACTTCAAAAACTCAGTTATAAAAGTGC[C>T]CATGATGAATAGCAAGAAGTACCCTGTGGCCCATTTCATTGACCAAACTTTGAAAGCCAA-3'
Protein context (NP_000053.2, residues 313-333): FHFKNSVIKV[Pro323Leu]MMNSKKYPVA